The following is an entry in ClinVar:

ClinVar aggregate classification (germline): Likely pathogenic. Review status: criteria provided, multiple submitters, no conflicts (2 of 4 stars). 2 submissions from 2 submitters: Likely pathogenic (2). Last evaluated 2025-11-01.

Conditions:
Autosomal recessive spinocerebellar ataxia 16. Identifiers: Orphanet 412057, MedGen C5190574, MONDO:0014339, OMIM 615768.

Allele frequency attached by ClinVar (database versions not stated): ExAC 0.00001; gnomAD 0.00001; TOPMed 0.00001; ESP Exome Variant Server 0.00008.
gnomAD v4.1: 5 of 1,602,498 alleles (0.00031%); highest among the groups gnomAD compares: Non-Finnish European, 0.00043%; no homozygotes.

Submissions (2):

Medical Molecular Genetics, National Research Centre
Classification: Likely pathogenic for Autosomal recessive spinocerebellar ataxia 16. Last evaluated: 2025-11-01. Review status: criteria provided, single submitter. Criteria: ACMG Guidelines, 2015. Collection method: research. Allele origin: inherited. Affected: yes.
Comment: This homozygous nonsense variant in STUB1 (c.544C>T, p.Arg182Ter) introduces a premature stop codon leading to truncation of the encoded protein. It is extremely rare in population databases, with very low allele frequency and no reported homozygotes. This variant was recurrently observed in two unrelated families in our cohort. The predicted loss of functional protein through nonsense-mediated decay supports pathogenicity.

GeneDx
Classification: Likely pathogenic. Last evaluated: 2025-10-28. Review status: criteria provided, single submitter. Criteria: GeneDx Variant Classification Process June 2021. Collection method: clinical testing. Allele origin: germline. Affected: yes.
Comment: Reported previously in cohorts of patients with ataxia including in a patient with severe cognitive impairment, hypokinesia, rigidity, saccadic pursuit, and ophthalmoplegia and in a patient with cognitive impairment and cerebellar cognitive affective syndrome (PMID: 36422518, 32713943); Reported previously as a heterozygous variant in a patient with dysarthria, pyramidal signs, and moderate cerebellar atrophy on brain MRI; segregation analysis was not performed but the variant was assumed to be inherited from the affected mother (PMID: 38973070); Nonsense variant predicted to result in protein truncation or nonsense mediated decay in a gene for which loss of function is a known mechanism of disease; Not observed at significant frequency in large population cohorts (gnomAD); This variant is associated with the following publications: (PMID: 32713943, 36422518, 38973070)

NM_005861.4(STUB1):c.544C>T (p.Arg182Ter)

Genes: JMJD8 (jumonji domain containing 8; minus strand), STUB1 (STIP1 homology and U-box containing protein 1; plus strand). Cytogenetic location: 16p13.3.
Variant type: single nucleotide variant.
Coding change: c.544C>T on transcript NM_005861.4 (MANE Select); coding-DNA position 544, C replaced by T.
Protein change: p.Arg182Ter; replaces arginine 182 with a stop codon.
Molecular consequence: nonsense. On other transcripts: 3 prime UTR variant (5), non-coding transcript variant (3).
Genome position (GRCh38, 1-based): chr16:681,812, C>T. VCF-style: chr16-681812-C-T. GRCh37 (hg19) VCF-style: chr16-731812-C-T.
Other names: c.328C>T, p.Arg110Ter (NM_001293197.2); c.*982G>A (NM_001005920.4, NM_001323919.3, NM_001323920.3); c.*1016G>A (NM_001323918.3, NM_001323922.3); short protein forms R110*, R182*.
Identifiers: ClinVar variation 1301244 (VCV001301244.4), dbSNP rs369941408, ClinGen allele CA7786658.